The following is an entry in ClinVar:

NM_000051.4(ATM):c.4255CTT[1] (p.Leu1420del)

Gene: ATM (ATM serine/threonine kinase; plus strand). Cytogenetic location: 11q22.3.
Variant type: Microsatellite.
Coding change: c.4255CTT[1] on transcript NM_000051.4 (MANE Select); one copy of the 3-base unit CTT starting at c.4255; the reference has two copies in a row; one copy, 3 bases deleted; also written c.4258_4260del.
Protein change: p.Leu1420del; deletes leucine 1420.
Molecular consequence: inframe deletion.
Genome position (GRCh38, 1-based): chr11:108,289,623-108,289,625, CTT deleted; deleting any 3 consecutive bases within chr11:108,289,618-108,289,625 gives the same sequence; the position shown is the placement nearest the transcript's 3' end. VCF-style (leftmost placement, unchanged base first): chr11-108289617-ATTC-A. GRCh37 (hg19) VCF-style: chr11-108160344-ATTC-A.
Other names: c.4258_4260delCTT (NM_000051.3); c.4255CTT[1], p.Leu1420del (NM_001351834.2); c.4258_4260del (NM_000051.4); short protein forms L1420del.
Identifiers: ClinVar variation 232566 (VCV000232566.21), dbSNP rs876659842, ClinGen allele CA10579142.
Genomic context (GRCh38, chr11:108,289,617, plus strand): 5'-AGTATCTAATTAAACAAGTTTTTACTAAATCTGTTTATTTTCTAGGATTCCTATCAGAAA[ATTC>A]TTCTTGCCATATGTGAGCAAGCAGCTGAAACAAATAATGTTTATAAGAAGCACAGAATTC-3'

ClinVar aggregate classification (germline): Uncertain significance. Review status: criteria provided, multiple submitters, no conflicts (2 of 4 stars). 4 submissions from 4 submitters: Uncertain significance (4). Last evaluated 2025-09-16.

Conditions:
Hereditary cancer-predisposing syndrome. Also called: Hereditary Cancer Syndrome; Neoplastic Syndromes, Hereditary; Tumor predisposition; Hereditary neoplastic syndrome. Identifiers: Orphanet 140162, MedGen C0027672, MeSH D009386, MONDO:0015356.
Familial cancer of breast. Also called: Hereditary breast cancer; hereditary breast carcinoma; BREAST CANCER, FAMILIAL. Identifiers: Orphanet 227535, MedGen C0346153, MONDO:0016419, OMIM 114480. Disease mechanism: loss of function.
Ataxia-telangiectasia syndrome (AT). Also called: Ataxia telangiectasia (A-T); Ataxia-telangiectasia, complementation group E; LOUIS-BAR SYNDROME; Cerebello-oculocutaneous telangiectasia; Immunodeficiency with ataxia telangiectasia; Ataxia-telangiectasia, complementation group D. Identifiers: Orphanet 100, MedGen C0004135, MONDO:0008840, OMIM 208900.

Submissions (4):

Labcorp Genetics (formerly Invitae), Labcorp
Classification: Uncertain significance for Ataxia-telangiectasia syndrome. Last evaluated: 2025-09-16. Review status: criteria provided, single submitter. Criteria: Invitae Variant Classification Sherloc (09022015). Collection method: clinical testing. Allele origin: germline.
Comment: This variant, c.4258_4260del, results in the deletion of 1 amino acid(s) of the ATM protein (p.Leu1420del), but otherwise preserves the integrity of the reading frame. This variant is not present in population databases (gnomAD no frequency). This variant has not been reported in the literature in individuals affected with ATM-related conditions. ClinVar contains an entry for this variant (Variation ID: 232566). Experimental studies and prediction algorithms are not available or were not evaluated, and the functional significance of this variant is currently unknown. In summary, the available evidence is currently insufficient to determine the role of this variant in disease. Therefore, it has been classified as a Variant of Uncertain Significance.

Color Diagnostics, LLC DBA Color Health
Classification: Uncertain significance for Hereditary cancer-predisposing syndrome. Last evaluated: 2025-07-25. Review status: criteria provided, single submitter. Criteria: ACMG Guidelines, 2015. Collection method: clinical testing. Allele origin: germline.
Comment: This variant causes a deletion of isoleucine at codon 1420 of the ATM protein, in a region that is not known to be associated with a functional domain. Isoleucine at this position is conserved in mammals. To our knowledge, functional studies have not been reported for this variant. This variant has not been reported in individuals affected with hereditary cancer in the literature. This variant has not been identified in the general population by the Genome Aggregation Database (gnomAD). The available evidence is insufficient to determine the role of this variant in disease conclusively. Therefore, this variant is classified as a Variant of Uncertain Significance.

Ambry Genetics
Classification: Uncertain significance for Hereditary cancer-predisposing syndrome. Last evaluated: 2024-11-19. Review status: criteria provided, single submitter. Criteria: Ambry Variant Classification Scheme 2023. Collection method: clinical testing. Allele origin: germline.
Comment: The c.4258_4260delCTT variant (also known as p.L1420del) is located in coding exon 28 of the ATM gene. This variant results from an in-frame CTT deletion at nucleotide positions 4258 to 4260. This results in the in-frame deletion of a leucine at codon 1420. The deleted amino acid position is well conserved in available vertebrate species. In addition, this alteration is predicted to be deleterious by in silico analysis (Choi Y et al. PLoS ONE. 2012; 7(10):e46688). Based on the available evidence, the clinical significance of this variant remains unclear.

Baylor Genetics
Classification: Uncertain significance for Familial cancer of breast. Last evaluated: 2023-06-21. Review status: criteria provided, single submitter. Criteria: ACMG Guidelines, 2015. Collection method: clinical testing. Allele origin: unknown.